The following is an entry in ClinVar:

NM_001352754.2(ARMC9):c.530T>C (p.Leu177Ser)

Gene: ARMC9 (armadillo repeat containing 9; plus strand). Cytogenetic location: 2q37.1.
Variant type: single nucleotide variant.
Coding change: c.530T>C on transcript NM_001352754.2 (MANE Select); coding-DNA position 530, T replaced by C.
Protein change: p.Leu177Ser; replaces leucine 177 with serine.
Molecular consequence: missense variant. On other transcripts: non-coding transcript variant (1).
Genome position (GRCh38, 1-based): chr2:231,222,753, T>C. VCF-style: chr2-231222753-T-C. GRCh37 (hg19) VCF-style: chr2-232087466-T-C.
Other names: c.530T>C, p.Leu177Ser (NM_001271466.4, NM_001291656.2, NM_001352755.2 and 5 more transcripts); short protein forms L177S.
Identifiers: ClinVar variation 1516266 (VCV001516266.6), dbSNP rs2125334112, ClinGen allele CA350947529.
Genomic context (GRCh38, chr2:231,222,753, plus strand): 5'-CTAATGTTTGTATTTTTGTTCCCTTTTTTCTTTAGGATTCCTGGACTCCAGAGTTAAAGT[T>C]GAAGTTGATAAAGTTTCTAGCTTTAATATCTAAAGCCAGCAACACGCCAAAGCTTTTAAC-3'
Protein context (NP_001339683.2, residues 167-187): FQDSWTPELK[Leu177Ser]KLIKFLALIS

ClinVar aggregate classification (germline): Uncertain significance (1 of 4 stars; one submission).

Submission:

Labcorp Genetics (formerly Invitae), Labcorp
Classification: Uncertain significance. Last evaluated: 2021-10-07. Review status: criteria provided, single submitter. Criteria: Invitae Variant Classification Sherloc (09022015). Collection method: clinical testing. Allele origin: germline.
Comment: This sequence change replaces leucine with serine at codon 177 of the ARMC9 protein (p.Leu177Ser). The leucine residue is weakly conserved and there is a large physicochemical difference between leucine and serine. This variant is not present in population databases (ExAC no frequency). This variant has not been reported in the literature in individuals affected with ARMC9-related conditions. Experimental studies and prediction algorithms are not available or were not evaluated, and the functional significance of this variant is currently unknown. In summary, the available evidence is currently insufficient to determine the role of this variant in disease. Therefore, it has been classified as a Variant of Uncertain Significance.